The following is an entry in ClinVar:

NM_002460.4(IRF4):c.1330A>G (p.Ile444Val)

Gene: IRF4 (interferon regulatory factor 4; plus strand). Cytogenetic location: 6p25.3.
Variant type: single nucleotide variant.
Coding change: c.1330A>G on transcript NM_002460.4 (MANE Select); coding-DNA position 1330, A replaced by G.
Protein change: p.Ile444Val; replaces isoleucine 444 with valine.
Molecular consequence: missense variant. On other transcripts: non-coding transcript variant (1).
Genome position (GRCh38, 1-based): chr6:407,572, A>G. VCF-style: chr6-407572-A-G. GRCh37 (hg19) VCF-style: chr6-407572-A-G.
Other names: c.1327A>G, p.Ile443Val (NM_001195286.2); short protein forms I443V, I444V.
Identifiers: ClinVar variation 1396156 (VCV001396156.8), dbSNP rs559734928, ClinGen allele CA3612946.

ClinVar aggregate classification (germline): Uncertain significance (1 of 4 stars; one submission).

Allele frequency attached by ClinVar (database versions not stated): gnomAD exomes below 0.00001 and 0.00001; gnomAD 0.00001; ExAC 0.00002; TOPMed 0.00003; 1000 Genomes Project 30x 0.00016; 1000 Genomes Project 0.00020.
gnomAD v4.1: 3 of 1,609,546 alleles (0.00019%); highest among the groups gnomAD compares: East Asian, 0.0067%; no homozygotes.

Submission:

Labcorp Genetics (formerly Invitae), Labcorp
Classification: Uncertain significance. Last evaluated: 2025-05-13. Review status: criteria provided, single submitter. Criteria: Invitae Variant Classification Sherloc (09022015). Collection method: clinical testing. Allele origin: germline.
Comment: This sequence change replaces isoleucine, which is neutral and non-polar, with valine, which is neutral and non-polar, at codon 444 of the IRF4 protein (p.Ile444Val). This variant is present in population databases (rs559734928, gnomAD 0.02%). This variant has not been reported in the literature in individuals affected with IRF4-related conditions. ClinVar contains an entry for this variant (Variation ID: 1396156). An algorithm developed to predict the effect of missense changes on protein structure and function outputs the following: PolyPhen-2: "Benign". The valine amino acid residue is found in multiple mammalian species, which suggests that this missense change does not adversely affect protein function. In summary, the available evidence is currently insufficient to determine the role of this variant in disease. Therefore, it has been classified as a Variant of Uncertain Significance.